The following is an entry in ClinVar:

ClinVar aggregate classification (germline): Uncertain significance. Review status: criteria provided, multiple submitters, no conflicts (2 of 4 stars). 2 submissions from 2 submitters: Uncertain significance (2). Last evaluated 2026-02-24.

Conditions:
Inborn genetic diseases. Identifiers: MedGen C0950123, MeSH D030342.

gnomAD v4.1: 18 of 1,613,716 alleles (0.0011%); highest among the groups gnomAD compares: Middle Eastern, 0.016%; no homozygotes.

Submissions (2):

GeneDx
Classification: Uncertain significance. Last evaluated: 2026-02-24. Review status: criteria provided, single submitter. Criteria: GeneDx Variant Classification Process June 2021. Collection method: clinical testing. Allele origin: germline.
Comment: In silico analysis supports that this missense variant has a deleterious effect on protein structure/function; Has not been previously published as pathogenic or benign to our knowledge

Ambry Genetics
Classification: Uncertain significance for Inborn genetic diseases. Last evaluated: 2022-12-13. Review status: criteria provided, single submitter. Criteria: Ambry Variant Classification Scheme 2023. Collection method: clinical testing. Allele origin: germline.

NM_173628.4(DNAH17):c.7144G>A (p.Glu2382Lys)

Genes: DNAH17 (dynein axonemal heavy chain 17; minus strand), DNAH17-AS1 (DNAH17 antisense RNA 1; plus strand). Cytogenetic location: 17q25.3.
Variant type: single nucleotide variant.
Coding change: c.7144G>A on transcript NM_173628.4 (MANE Select); coding-DNA position 7144, G replaced by A.
Protein change: p.Glu2382Lys; replaces glutamic acid 2382 with lysine.
Molecular consequence: missense variant.
Genome position (GRCh38, 1-based): chr17:78,486,091, C>T on the plus strand (G>A on the coding strand, the complement: DNAH17 is on the minus strand). VCF-style: chr17-78486091-C-T. GRCh37 (hg19) VCF-style: chr17-76482173-C-T.
Other names: short protein forms E2382K.
Identifiers: ClinVar variation 2334128 (VCV002334128.3), dbSNP rs535161506, ClinGen allele CA8802449.
Genomic context (GRCh38, chr17:78,486,091, plus strand): 5'-CAGGATCAATGTAGTAGTCAAAAATCGTTCCCTGCGAGGGGAACTTGATAGTCTTGAATT[C>T]GTTGATCCACCATTTACTGAACTCCACTCGATAATCCACAAGCTGTTGAGACACAGAAGT-3'
Protein context (NP_775899.3, residues 2372-2392): RVEFSKWWIN[Glu2382Lys]FKTIKFPSQG